The following is an entry in ClinVar:

NM_001394062.1(MACF1):c.3161G>A (p.Arg1054His)

Gene: MACF1 (microtubule actin crosslinking factor 1; plus strand). Cytogenetic location: 1p34.3.
Variant type: single nucleotide variant.
Coding change: c.3161G>A on transcript NM_001394062.1 (MANE Select); coding-DNA position 3161, G replaced by A.
Protein change: p.Arg1054His; replaces arginine 1054 with histidine.
Molecular consequence: missense variant.
Genome position (GRCh38, 1-based): chr1:39,310,891, G>A. VCF-style: chr1-39310891-G-A. GRCh37 (hg19) VCF-style: chr1-39776563-G-A.
Other names: c.3176G>A, p.Arg1059His (NM_012090.5); c.3176G>A (NM_012090.4); short protein forms R1054H, R1059H.
Identifiers: ClinVar variation 2692846 (VCV002692846.4), dbSNP rs773000242, ClinGen allele CA779910.

ClinVar aggregate classification (germline): Conflicting classifications of pathogenicity. Review status: criteria provided, conflicting classifications (1 of 4 stars). 2 submissions from 2 submitters: Uncertain significance (1); Likely benign (1). Last evaluated 2025-05-21.

Conditions:
Inborn genetic diseases. Identifiers: MedGen C0950123, MeSH D030342.

Allele frequency attached by ClinVar (database versions not stated): TOPMed 0.00003; ExAC 0.00006; gnomAD 0.00006.
gnomAD v4.1: 47 of 1,614,062 alleles (0.0029%); highest among the groups gnomAD compares: Admixed American, 0.035%; 1 homozygote.

Submissions (2):

Ambry Genetics
Classification: Likely benign for Inborn genetic diseases. Last evaluated: 2025-05-21. Review status: criteria provided, single submitter. Criteria: Ambry Variant Classification Scheme 2023. Collection method: clinical testing. Allele origin: germline.

Labcorp Genetics (formerly Invitae), Labcorp
Classification: Uncertain significance. Last evaluated: 2023-10-22. Review status: criteria provided, single submitter. Criteria: Invitae Variant Classification Sherloc (09022015). Collection method: clinical testing. Allele origin: germline.
Comment: This sequence change replaces arginine, which is basic and polar, with histidine, which is basic and polar, at codon 1059 of the MACF1 protein (p.Arg1059His). This variant is present in population databases (rs773000242, gnomAD 0.02%). This variant has not been reported in the literature in individuals affected with MACF1-related conditions. Algorithms developed to predict the effect of missense changes on protein structure and function output the following: SIFT: "Not Available"; PolyPhen-2: "Benign"; Align-GVGD: "Not Available". The histidine amino acid residue is found in multiple mammalian species, which suggests that this missense change does not adversely affect protein function. In summary, the available evidence is currently insufficient to determine the role of this variant in disease. Therefore, it has been classified as a Variant of Uncertain Significance.